The following is an entry in ClinVar:

ClinVar aggregate classification (germline): Likely benign. Review status: criteria provided, multiple submitters, no conflicts (2 of 4 stars). 3 submissions from 3 submitters: Likely benign (2). 1 of the submissions does not count toward it. Last evaluated 2026-04-01.

Conditions:
CUX2-related disorder. Also called: CUX2-related condition.

Allele frequency attached by ClinVar (database versions not stated): gnomAD exomes 0.00069; TOPMed 0.00077; ESP Exome Variant Server 0.00083; gnomAD 0.00089; ExAC 0.00107.

Submissions (3):

CeGaT Center for Human Genetics Tuebingen
Classification: Likely benign. Last evaluated: 2026-04-01. Review status: criteria provided, single submitter. Criteria: CeGaT Center For Human Genetics Tuebingen Variant Classification Criteria Version 2. Collection method: clinical testing. Allele origin: germline. Affected: yes. Observed: 4 variant alleles.
Comment: CUX2: BP4, BS1

Blueprint Genetics
Classification: Likely benign. Last evaluated: 2024-10-03. Review status: criteria provided, single submitter. Criteria: ACMG Guidelines, 2015. Collection method: clinical testing. Allele origin: germline.

PreventionGenetics, part of Exact Sciences
Classification: Benign for CUX2-related condition. Last evaluated: 2019-04-04. Review status: no assertion criteria provided. Collection method: clinical testing. Allele origin: germline. Not counted in ClinVar's aggregate classification.
Comment: This variant is classified as benign based on ACMG/AMP sequence variant interpretation guidelines (Richards et al. 2015 PMID: 25741868, with internal and published modifications).

NM_015267.4(CUX2):c.430C>T (p.Pro144Ser)

Gene: CUX2 (cut like homeobox 2; plus strand). Cytogenetic location: 12q24.11.
Variant type: single nucleotide variant.
Coding change: c.430C>T on transcript NM_015267.4 (MANE Select); coding-DNA position 430, C replaced by T.
Protein change: p.Pro144Ser; replaces proline 144 with serine.
Molecular consequence: missense variant.
Genome position (GRCh38, 1-based): chr12:111,291,546, C>T. VCF-style: chr12-111291546-C-T. GRCh37 (hg19) VCF-style: chr12-111729350-C-T.
Other names: c.244C>T, p.Pro82Ser (NM_001370598.1); c.430C>T (NM_015267.3); short protein forms P144S, P82S.
Identifiers: ClinVar variation 2570845 (VCV002570845.29), dbSNP rs200363695, ClinGen allele CA6788347.